The following is an entry in ClinVar:

ClinVar aggregate classification (germline): Uncertain significance (1 of 4 stars; one submission).

Conditions:
Primary ciliary dyskinesia. Also called: Ciliary dyskinesia. Identifiers: Orphanet 244, MedGen C0008780, MONDO:0016575, HP:0012265.

Submission:

Ambry Genetics
Classification: Uncertain significance for Primary ciliary dyskinesia. Last evaluated: 2017-10-30. Review status: criteria provided, single submitter. Criteria: Ambry Variant Classification Scheme 2023. Collection method: clinical testing. Allele origin: germline.
Comment: The p.G459E variant (also known as c.1376G>A), located in coding exon 10 of the SPAG1 gene, results from a G to A substitution at nucleotide position 1376. The glycine at codon 459 is replaced by glutamic acid, an amino acid with similar properties. This amino acid position is highly conserved in available vertebrate species. In addition, this alteration is predicted to be deleterious by in silico analysis. Since supporting evidence is limited at this time, the clinical significance of this alteration remains unclear.

NM_003114.5(SPAG1):c.1376G>A (p.Gly459Glu)

Genes: SPAG1 (sperm associated antigen 1; plus strand), LOC130000832 (ATAC-STARR-seq lymphoblastoid silent region 19412; plus strand). Cytogenetic location: 8q22.2.
Variant type: single nucleotide variant.
Coding change: c.1376G>A on transcript NM_003114.5 (MANE Select); coding-DNA position 1376, G replaced by A.
Protein change: p.Gly459Glu; replaces glycine 459 with glutamic acid.
Molecular consequence: missense variant.
Genome position (GRCh38, 1-based): chr8:100,213,369, G>A. VCF-style: chr8-100213369-G-A. GRCh37 (hg19) VCF-style: chr8-101225597-G-A.
Other names: c.1376G>A, p.Gly459Glu (NM_001374321.1, NM_172218.3); short protein forms G459E.
Identifiers: ClinVar variation 1771174 (VCV001771174.2), dbSNP rs2489445320, ClinGen allele CA371809507.